The following is an entry in ClinVar:

NM_000136.3(FANCC):c.1637T>C (p.Leu546Pro)

Genes: AOPEP (aminopeptidase O (putative); plus strand), FANCC (FA complementation group C; minus strand). Cytogenetic location: 9q22.32.
Variant type: single nucleotide variant.
Coding change: c.1637T>C on transcript NM_000136.3 (MANE Select); coding-DNA position 1637, T replaced by C.
Protein change: p.Leu546Pro; replaces leucine 546 with proline.
Molecular consequence: missense variant.
Genome position (GRCh38, 1-based): chr9:95,101,747, A>G on the plus strand (T>C on the coding strand, the complement: FANCC is on the minus strand). VCF-style: chr9-95101747-A-G. GRCh37 (hg19) VCF-style: chr9-97864029-A-G.
Other names: c.1637T>C, p.Leu546Pro (NM_001243743.2); short protein forms L546P.
Identifiers: ClinVar variation 3897095 (VCV003897095.1).

ClinVar aggregate classification (germline): Uncertain significance (1 of 4 stars; one submission).

gnomAD v4.1: 2 of 1,613,944 alleles (0.00012%); highest among the groups gnomAD compares: Non-Finnish European, 0.00017%; no homozygotes.

Submission:

GeneDx
Classification: Uncertain significance. Last evaluated: 2024-11-01. Review status: criteria provided, single submitter. Criteria: GeneDx Variant Classification Process June 2021. Collection method: clinical testing. Allele origin: germline. Affected: yes.
Comment: Not observed at significant frequency in large population cohorts (gnomAD); In silico analysis supports that this missense variant has a deleterious effect on protein structure/function; Has not been previously published as pathogenic or benign to our knowledge; This variant is associated with the following publications: (PMID: Gordon2000[Book])